The following is an entry in ClinVar:

NM_001145809.2(MYH14):c.4049T>C (p.Val1350Ala)

Gene: MYH14 (myosin heavy chain 14; plus strand). Cytogenetic location: 19q13.33.
Variant type: single nucleotide variant.
Coding change: c.4049T>C on transcript NM_001145809.2 (MANE Select); coding-DNA position 4049, T replaced by C.
Protein change: p.Val1350Ala; replaces valine 1350 with alanine.
Molecular consequence: missense variant.
Genome position (GRCh38, 1-based): chr19:50,280,053, T>C. VCF-style: chr19-50280053-T-C. GRCh37 (hg19) VCF-style: chr19-50783310-T-C.
Other names: c.3950T>C, p.Val1317Ala (NM_001077186.2); c.3926T>C, p.Val1309Ala (NM_024729.4); short protein forms V1309A, V1317A, V1350A.
Identifiers: ClinVar variation 2413061 (VCV002413061.4), dbSNP rs2514431176, ClinGen allele CA406957182.

ClinVar aggregate classification (germline): Uncertain significance (1 of 4 stars; one submission).

Allele frequency attached by ClinVar (database versions not stated): gnomAD exomes below 0.00001.
gnomAD v4.1: 1 of 1,609,418 alleles (0.000062%); highest among the groups gnomAD compares: Non-Finnish European, 0.000085%; no homozygotes.

Submission:

GeneDx
Classification: Uncertain significance. Last evaluated: 2025-05-14. Review status: criteria provided, single submitter. Criteria: GeneDx Variant Classification Process June 2021. Collection method: clinical testing. Allele origin: germline.
Comment: Not observed at significant frequency in large population cohorts (gnomAD); In silico analysis supports that this missense variant has a deleterious effect on protein structure/function; Has not been previously published as pathogenic or benign to our knowledge